The following is an entry in ClinVar:

NM_182914.3(SYNE2):c.17403G>A (p.Met5801Ile)

Gene: SYNE2 (spectrin repeat containing nuclear envelope protein 2; plus strand). Cytogenetic location: 14q23.2.
Variant type: single nucleotide variant.
Coding change: c.17403G>A on transcript NM_182914.3 (MANE Select); coding-DNA position 17403, G replaced by A.
Protein change: p.Met5801Ile; replaces methionine 5801 with isoleucine.
Molecular consequence: missense variant.
Genome position (GRCh38, 1-based): chr14:64,175,111, G>A. VCF-style: chr14-64175111-G-A. GRCh37 (hg19) VCF-style: chr14-64641829-G-A.
Other names: c.17403G>A, p.Met5801Ile (NM_015180.6); short protein forms M5801I.
Identifiers: ClinVar variation 937706 (VCV000937706.9), dbSNP rs2098427539, ClinGen allele CA389982387.

ClinVar aggregate classification (germline): Uncertain significance (1 of 4 stars; one submission).

Conditions:
Emery-Dreifuss muscular dystrophy 5, autosomal dominant (EDMD5). Also called: EMERY-DREIFUSS MUSCULAR DYSTROPHY 5. Identifiers: Orphanet 261, MedGen C2751805, MONDO:0013072, OMIM 612999.

gnomAD v4.1: 1 of 1,614,000 alleles (0.000062%); highest among the groups gnomAD compares: Non-Finnish European, 0.000085%; no homozygotes.

Submission:

Labcorp Genetics (formerly Invitae), Labcorp
Classification: Uncertain significance for Emery-Dreifuss muscular dystrophy 5, autosomal dominant. Last evaluated: 2019-09-10. Review status: criteria provided, single submitter. Criteria: Invitae Variant Classification Sherloc (09022015). Collection method: clinical testing. Allele origin: germline.
Comment: This variant is not present in population databases (ExAC no frequency). In summary, the available evidence is currently insufficient to determine the role of this variant in disease. Therefore, it has been classified as a Variant of Uncertain Significance. Algorithms developed to predict the effect of missense changes on protein structure and function (SIFT, PolyPhen-2, Align-GVGD) all suggest that this variant is likely to be tolerated, but these predictions have not been confirmed by published functional studies and their clinical significance is uncertain. This variant has not been reported in the literature in individuals with SYNE2-related conditions. This sequence change replaces methionine with isoleucine at codon 5801 of the SYNE2 protein (p.Met5801Ile). The methionine residue is weakly conserved and there is a small physicochemical difference between methionine and isoleucine.